The following is an entry in ClinVar:

ClinVar aggregate classification (germline): Uncertain significance. Review status: criteria provided, multiple submitters, no conflicts (2 of 4 stars). 2 submissions from 2 submitters: Uncertain significance (2). Last evaluated 2025-07-03.

Conditions:
Hypertrophic cardiomyopathy. Also called: HYPERTROPHIC MYOCARDIOPATHY. Identifiers: Orphanet 217569, MedGen C0007194, MeSH D002312, MONDO:0005045, HP:0001639.

Allele frequency attached by ClinVar (database versions not stated): ExAC 0.00001; gnomAD exomes 0.00001 and 0.00004; gnomAD 0.00005; TOPMed 0.00009; 1000 Genomes Project 30x 0.00016; 1000 Genomes Project 0.00020.
gnomAD v4.1: 33 of 1,613,738 alleles (0.002%); highest among the groups gnomAD compares: Admixed American, 0.018%; no homozygotes.

Submissions (2):

Labcorp Genetics (formerly Invitae), Labcorp
Classification: Uncertain significance for Hypertrophic cardiomyopathy. Last evaluated: 2025-07-03. Review status: criteria provided, single submitter. Criteria: Invitae Variant Classification Sherloc (09022015). Collection method: clinical testing. Allele origin: germline.
Comment: This sequence change replaces aspartic acid, which is acidic and polar, with asparagine, which is neutral and polar, at codon 408 of the MYOM1 protein (p.Asp408Asn). This variant is present in population databases (rs138375140, gnomAD 0.006%). This variant has not been reported in the literature in individuals affected with MYOM1-related conditions. ClinVar contains an entry for this variant (Variation ID: 569222). Invitae Evidence Modeling of protein sequence and biophysical properties (such as structural, functional, and spatial information, amino acid conservation, physicochemical variation, residue mobility, and thermodynamic stability) indicates that this missense variant is not expected to disrupt MYOM1 protein function with a negative predictive value of 80%. In summary, the available evidence is currently insufficient to determine the role of this variant in disease. Therefore, it has been classified as a Variant of Uncertain Significance.

Ambry Genetics
Classification: Uncertain significance. Last evaluated: 2025-05-21. Review status: criteria provided, single submitter. Criteria: Ambry Variant Classification Scheme 2023. Collection method: clinical testing. Allele origin: germline.

NM_003803.4(MYOM1):c.1222G>A (p.Asp408Asn)

Gene: MYOM1 (myomesin 1; minus strand). Cytogenetic location: 18p11.31.
Variant type: single nucleotide variant.
Coding change: c.1222G>A on transcript NM_003803.4 (MANE Select); coding-DNA position 1222, G replaced by A.
Protein change: p.Asp408Asn; replaces aspartic acid 408 with asparagine.
Molecular consequence: missense variant.
Genome position (GRCh38, 1-based): chr18:3,168,934, C>T on the plus strand (G>A on the coding strand, the complement: MYOM1 is on the minus strand). VCF-style: chr18-3168934-C-T. GRCh37 (hg19) VCF-style: chr18-3168932-C-T.
Other names: c.1222G>A, p.Asp408Asn (NM_019856.2); short protein forms D408N.
Identifiers: ClinVar variation 569222 (VCV000569222.12), dbSNP rs138375140, ClinGen allele CA8875004.